The following is an entry in ClinVar:

ClinVar aggregate classification (germline): Conflicting classifications of pathogenicity. Review status: criteria provided, conflicting classifications (1 of 4 stars). 4 submissions from 4 submitters: Uncertain significance (3); Likely benign (1). Last evaluated 2025-12-23.

Allele frequency attached by ClinVar (database versions not stated): ExAC 0.00001; gnomAD exomes 0.00005.
gnomAD v4.1: 74 of 1,605,152 alleles (0.0046%); highest among the groups gnomAD compares: East Asian, 0.054%; no homozygotes.

Submissions (4):

Labcorp Genetics (formerly Invitae), Labcorp
Classification: Uncertain significance. Last evaluated: 2025-12-23. Review status: criteria provided, single submitter. Criteria: Invitae Variant Classification Sherloc (09022015). Collection method: clinical testing. Allele origin: germline.
Comment: This sequence change replaces threonine, which is neutral and polar, with methionine, which is neutral and non-polar, at codon 375 of the POGLUT1 protein (p.Thr375Met). This variant is present in population databases (rs748170466, gnomAD 0.003%). This variant has not been reported in the literature in individuals affected with POGLUT1-related conditions. ClinVar contains an entry for this variant (Variation ID: 2155594). Invitae Evidence Modeling of protein sequence and biophysical properties (such as structural, functional, and spatial information, amino acid conservation, physicochemical variation, residue mobility, and thermodynamic stability) indicates that this missense variant is not expected to disrupt POGLUT1 protein function with a negative predictive value of 80%. In summary, the available evidence is currently insufficient to determine the role of this variant in disease. Therefore, it has been classified as a Variant of Uncertain Significance.

Revvity Omics, Revvity
Classification: Uncertain significance. Last evaluated: 2025-05-27. Review status: criteria provided, single submitter. Criteria: ACMG Guidelines, 2015. Collection method: clinical testing. Allele origin: germline.

Blueprint Genetics
Classification: Likely benign. Last evaluated: 2024-06-25. Review status: criteria provided, single submitter. Criteria: ACMG Guidelines, 2015. Collection method: clinical testing. Allele origin: germline.

Breakthrough Genomics
Classification: Uncertain significance. Review status: criteria provided, single submitter. Criteria: ACMG Guidelines, 2015. Collection method: not provided. Allele origin: germline. Inheritance: Autosomal recessive inheritance. Affected: yes.

NM_152305.3(POGLUT1):c.1124C>T (p.Thr375Met)

Gene: POGLUT1 (protein O-glucosyltransferase 1; plus strand). Cytogenetic location: 3q13.33.
Variant type: single nucleotide variant.
Coding change: c.1124C>T on transcript NM_152305.3 (MANE Select); coding-DNA position 1124, C replaced by T.
Protein change: p.Thr375Met; replaces threonine 375 with methionine.
Molecular consequence: missense variant. On other transcripts: non-coding transcript variant (1).
Genome position (GRCh38, 1-based): chr3:119,492,383, C>T. VCF-style: chr3-119492383-C-T. GRCh37 (hg19) VCF-style: chr3-119211230-C-T.
Other names: c.1124C>T, p.Thr375Met (NM_020231.3); c.1124C>T (NM_152305.2); short protein forms T375M.
Identifiers: ClinVar variation 2155594 (VCV002155594.9), dbSNP rs748170466, ClinGen allele CA2555055.